The following is an entry in ClinVar:

NM_000089.4(COL1A2):c.71-7del

Gene: COL1A2 (collagen type I alpha 2 chain; plus strand). Cytogenetic location: 7q21.3.
Variant type: Deletion.
Coding change: c.71-7del on transcript NM_000089.4 (MANE Select); 7 bases into the intron before coding-DNA position 71, one base deleted (T; older notation c.71-7delT).
Molecular consequence: intron variant.
Genome position (GRCh38, 1-based): chr7:94,397,741, T deleted; the last of 10 consecutive T bases (chr7:94,397,732-94,397,741); deleting any one gives the same sequence. VCF-style (leftmost placement, unchanged base first): chr7-94397731-CT-C. GRCh37 (hg19) VCF-style: chr7-94027043-CT-C.
Other names: c.71-7delT (NM_000089.4).
Identifiers: ClinVar variation 195013 (VCV000195013.12), dbSNP rs144776919, ClinGen allele CA201502.

ClinVar aggregate classification (germline): Benign/Likely benign. Review status: criteria provided, multiple submitters, no conflicts (2 of 4 stars). 4 submissions from 4 submitters: Benign (2); Likely benign (2). Last evaluated 2026-03-09.

Conditions:
Ehlers-Danlos syndrome, classic type, 1 (EDSCL1). Also called: EDS I; EHLERS-DANLOS SYNDROME, GRAVIS TYPE; EHLERS-DANLOS SYNDROME, SEVERE CLASSIC TYPE; Ehlers-Danlos syndrome, type 1; Ehlers-Danlos Syndrome, Classic Type, COL5A1-Related. Identifiers: MedGen C0268335, MONDO:0019567, OMIM 130000.
Osteogenesis imperfecta type I (OI1). Also called: OI, TYPE I; OSTEOGENESIS IMPERFECTA TARDA; OSTEOGENESIS IMPERFECTA WITH BLUE SCLERAE; Lobstein disease; Lobstein's Disease; Osteogenesis imperfecta type 1. Identifiers: Orphanet 216796, Orphanet 666, MedGen C0023931, MONDO:0008146, OMIM 166200. Disease mechanism: loss of function.

Submissions (4):

Women's Health and Genetics/Laboratory Corporation of America, LabCorp
Classification: Likely benign. Last evaluated: 2026-03-09. Review status: criteria provided, single submitter. Criteria: LabCorp Variant Classification Summary - May 2015. Collection method: clinical testing. Allele origin: germline.
Comment: Variant summary: COL1A2 c.71-7delT alters a non-conserved nucleotide located at a position not widely known to affect splicing. Consensus agreement among computation tools predict no significant impact on normal splicing. However, these predictions have yet to be confirmed by functional studies. The frequency data for this variant in gnomAD is considered unreliable, as metrics indicate poor data quality at this position. To our knowledge, no occurrence of c.71-7delT in individuals affected with COL1A2-related conditions and no experimental evidence demonstrating its impact on protein function have been reported. ClinVar contains an entry for this variant (Variation ID: 195013). Based on the evidence outlined above, the variant was classified as likely benign.

Labcorp Genetics (formerly Invitae), Labcorp
Classification: Benign for Osteogenesis imperfecta type I; Ehlers-Danlos syndrome, classic type, 1. Last evaluated: 2026-01-12. Review status: criteria provided, single submitter. Criteria: Invitae Variant Classification Sherloc (09022015). Collection method: clinical testing. Allele origin: germline.

Blueprint Genetics
Classification: Likely benign. Last evaluated: 2024-11-15. Review status: criteria provided, single submitter. Criteria: ACMG Guidelines, 2015. Collection method: clinical testing. Allele origin: germline.

Eurofins Ntd Llc (ga)
Classification: Benign. Last evaluated: 2015-08-05. Review status: criteria provided, single submitter. Criteria: EGL Classification Definitions 2015. Collection method: clinical testing. Allele origin: germline. Observed: 2 variant alleles, 2 heterozygotes.